The following is an entry in ClinVar:

NM_206937.2(LIG4):c.1703A>G (p.Asp568Gly)

Gene: LIG4 (DNA ligase 4; minus strand). Cytogenetic location: 13q33.3.
Variant type: single nucleotide variant.
Coding change: c.1703A>G on transcript NM_206937.2 (MANE Select); coding-DNA position 1703, A replaced by G.
Protein change: p.Asp568Gly; replaces aspartic acid 568 with glycine.
Molecular consequence: missense variant.
Genome position (GRCh38, 1-based): chr13:108,209,566, T>C on the plus strand (A>G on the coding strand, the complement: LIG4 is on the minus strand). VCF-style: chr13-108209566-T-C. GRCh37 (hg19) VCF-style: chr13-108861914-T-C.
Other names: c.1703A>G, p.Asp568Gly (NM_001098268.2, NM_001352598.2, NM_001352599.2 and 6 more transcripts); c.1502A>G, p.Asp501Gly (NM_001330595.2); c.1739A>G, p.Asp580Gly (NM_001352604.2); short protein forms D501G, D568G, D580G.
Identifiers: ClinVar variation 1005223 (VCV001005223.6), dbSNP rs202041497, ClinGen allele CA7043635.

ClinVar aggregate classification (germline): Uncertain significance (1 of 4 stars; one submission).

Conditions:
DNA ligase IV deficiency. Identifiers: Orphanet 99812, MedGen C1847827, MONDO:0011686, OMIM 606593.

Allele frequency attached by ClinVar (database versions not stated): TOPMed 0.00003; ExAC 0.00005; 1000 Genomes Project 30x 0.00016; 1000 Genomes Project 0.00020; ESP Exome Variant Server 0.00031.
gnomAD v4.1: 146 of 1,614,174 alleles (0.009%); highest among the groups gnomAD compares: Non-Finnish European, 0.012%; no homozygotes.

Submission:

Labcorp Genetics (formerly Invitae), Labcorp
Classification: Uncertain significance for DNA ligase IV deficiency. Last evaluated: 2022-06-03. Review status: criteria provided, single submitter. Criteria: Invitae Variant Classification Sherloc (09022015). Collection method: clinical testing. Allele origin: germline.
Comment: This sequence change replaces aspartic acid, which is acidic and polar, with glycine, which is neutral and non-polar, at codon 568 of the LIG4 protein (p.Asp568Gly). This variant is present in population databases (rs202041497, gnomAD 0.01%). This variant has not been reported in the literature in individuals affected with LIG4-related conditions. ClinVar contains an entry for this variant (Variation ID: 1005223). Algorithms developed to predict the effect of missense changes on protein structure and function output the following: SIFT: "Tolerated"; PolyPhen-2: "Benign"; Align-GVGD: "Class C0". The glycine amino acid residue is found in multiple mammalian species, which suggests that this missense change does not adversely affect protein function. Algorithms developed to predict the effect of sequence changes on RNA splicing suggest that this variant may create or strengthen a splice site. In summary, the available evidence is currently insufficient to determine the role of this variant in disease. Therefore, it has been classified as a Variant of Uncertain Significance.